The following is an entry in ClinVar:

ClinVar aggregate classification (germline): Uncertain significance. Review status: criteria provided, multiple submitters, no conflicts (2 of 4 stars). 2 submissions from 2 submitters: Uncertain significance (2). Last evaluated 2025-12-17.

Conditions:
Hereditary cancer-predisposing syndrome. Also called: Neoplastic Syndromes, Hereditary; Tumor predisposition; Hereditary neoplastic syndrome; Hereditary Cancer Syndrome. Identifiers: Orphanet 140162, MedGen C0027672, MeSH D009386, MONDO:0015356.

Allele frequency attached by ClinVar (database versions not stated): ExAC 0.00002; gnomAD exomes 0.00001.

Submissions (2):

Ambry Genetics
Classification: Uncertain significance for Hereditary cancer-predisposing syndrome. Last evaluated: 2025-12-17. Review status: criteria provided, single submitter. Criteria: Ambry Variant Classification Scheme 2023. Collection method: clinical testing. Allele origin: germline.
Comment: The p.G1482R variant (also known as c.4444G>C), located in coding exon 34 of the POLE gene, results from a G to C substitution at nucleotide position 4444. The amino acid change results in glycine to arginine at codon 1482, an amino acid with dissimilar properties. However, this change occurs in the last base pair of coding exon 34, which makes it likely to have some effect on normal mRNA splicing. This nucleotide position is highly conserved in available vertebrate species. This amino acid position is highly conserved in available vertebrate species. In silico splice site analysis predicts that this alteration will weaken the native splice donor site; however, direct evidence is insufficient at this time (Ambry internal data). In addition, the in silico prediction for this alteration is inconclusive. Based on the available evidence, the clinical significance of this variant remains unclear.

Labcorp Genetics (formerly Invitae), Labcorp
Classification: Uncertain significance. Last evaluated: 2024-09-06. Review status: criteria provided, single submitter. Criteria: Invitae Variant Classification Sherloc (09022015). Collection method: clinical testing. Allele origin: germline.
Comment: This sequence change replaces glycine, which is neutral and non-polar, with arginine, which is basic and polar, at codon 1482 of the POLE protein (p.Gly1482Arg). This variant also falls at the last nucleotide of exon 34, which is part of the consensus splice site for this exon. This variant is present in population databases (rs759703428, gnomAD 0.006%). This variant has not been reported in the literature in individuals affected with POLE-related conditions. ClinVar contains an entry for this variant (Variation ID: 473664). An algorithm developed to predict the effect of missense changes on protein structure and function (PolyPhen-2) suggests that this variant is likely to be tolerated. Variants that disrupt the consensus splice site are a relatively common cause of aberrant splicing (PMID: 17576681, 9536098). Algorithms developed to predict the effect of sequence changes on RNA splicing suggest that this variant may disrupt the consensus splice site. In summary, the available evidence is currently insufficient to determine the role of this variant in disease. Therefore, it has been classified as a Variant of Uncertain Significance.

Literature cited by the submitters: PubMed 17576681 (cited by Labcorp Genetics (formerly Invitae), Labcorp); PubMed 9536098 (cited by Labcorp Genetics (formerly Invitae), Labcorp).

NM_006231.4(POLE):c.4444G>C (p.Gly1482Arg)

Gene: POLE (DNA polymerase epsilon, catalytic subunit; minus strand). Cytogenetic location: 12q24.33.
Variant type: single nucleotide variant.
Coding change: c.4444G>C on transcript NM_006231.4 (MANE Select); coding-DNA position 4444, G replaced by C.
Protein change: p.Gly1482Arg; replaces glycine 1482 with arginine.
Molecular consequence: missense variant.
Genome position (GRCh38, 1-based): chr12:132,643,407, C>G on the plus strand (G>C on the coding strand, the complement: POLE is on the minus strand). VCF-style: chr12-132643407-C-G. GRCh37 (hg19) VCF-style: chr12-133219993-C-G.
Other names: c.4444G>C (NM_006231.2); short protein forms G1482R.
Identifiers: ClinVar variation 473664 (VCV000473664.7), dbSNP rs759703428, ClinGen allele CA6892857.